The following is an entry in ClinVar:

NM_001128840.3(CACNA1D):c.3870+13C>G

Gene: CACNA1D (calcium voltage-gated channel subunit alpha1 D; plus strand). Cytogenetic location: 3p21.1.
Variant type: single nucleotide variant.
Coding change: c.3870+13C>G on transcript NM_001128840.3 (MANE Select); 13 bases into the intron after coding-DNA position 3870, C replaced by G.
Molecular consequence: intron variant.
Genome position (GRCh38, 1-based): chr3:53,762,094, C>G. VCF-style: chr3-53762094-C-G. GRCh37 (hg19) VCF-style: chr3-53796121-C-G.
Other names: c.3870+13C>G (NM_001128839.3); c.3930+13C>G (NM_000720.4, NM_000720.3).
Identifiers: ClinVar variation 226473 (VCV000226473.15), dbSNP rs148858045, ClinGen allele CA2454707.

ClinVar aggregate classification (germline): Benign/Likely benign. Review status: criteria provided, multiple submitters, no conflicts (2 of 4 stars). 4 submissions from 4 submitters: Benign (3); Likely benign (1). Last evaluated 2026-02-03.

Conditions:
Aldosterone-producing adenoma with seizures and neurological abnormalities. Also called: Primary aldosteronism, seizures, and neurologic abnormalities. Identifiers: Orphanet 369929, MedGen C3809609, MONDO:0014200, OMIM 615474.

Allele frequency attached by ClinVar (database versions not stated): gnomAD exomes 0.00140; ExAC 0.00177; gnomAD 0.00536 and 0.00567; TOPMed 0.00608; 1000 Genomes Project 0.00699; 1000 Genomes Project 30x 0.00750; ESP Exome Variant Server 0.00877.
gnomAD v4.1: 1,547 of 1,571,760 alleles (0.098%); highest among the groups gnomAD compares: African/African-American, 1.8%; 16 homozygotes.

Submissions (4):

Labcorp Genetics (formerly Invitae), Labcorp
Classification: Benign. Last evaluated: 2026-02-03. Review status: criteria provided, single submitter. Criteria: Invitae Variant Classification Sherloc (09022015). Collection method: clinical testing. Allele origin: germline.

KCCC/NGS Laboratory, Kuwait Cancer Control Center
Classification: Benign for Aldosterone-producing adenoma with seizures and neurological abnormalities. Last evaluated: 2023-07-07. Review status: criteria provided, single submitter. Criteria: ACMG Guidelines, 2015. Collection method: clinical testing. Allele origin: germline. Affected: yes.

GeneDx
Classification: Likely benign. Last evaluated: 2018-07-01. Review status: criteria provided, single submitter. Criteria: GeneDx Variant Classification Process June 2021. Collection method: clinical testing. Allele origin: germline. Affected: yes.

Laboratory for Molecular Medicine, Mass General Brigham Personalized Medicine
Classification: Benign. Last evaluated: 2014-11-24. Review status: criteria provided, single submitter. Criteria: LMM Criteria. Collection method: clinical testing. Allele origin: germline. Observed: 4 variant alleles.
Comment: 3930+13C>G in intron 31 of CACNA1D: This variant is not expected to have clinica l significance because it is not located within the conserved splice consensus s equence. It has been identified in 2.6% (114/4406) of African American chromosom es from a broad population by the NHLBI Exome Sequencing Project (.; dbSNP rs148858045).